The following is an entry in ClinVar:

NM_002816.5(PSMD12):c.946C>T (p.Arg316Cys)

Gene: PSMD12 (proteasome 26S subunit, non-ATPase 12; minus strand). Cytogenetic location: 17q24.2.
Variant type: single nucleotide variant.
Coding change: c.946C>T on transcript NM_002816.5 (MANE Select); coding-DNA position 946, C replaced by T.
Protein change: p.Arg316Cys; replaces arginine 316 with cysteine.
Molecular consequence: missense variant.
Genome position (GRCh38, 1-based): chr17:67,344,743, G>A on the plus strand (C>T on the coding strand, the complement: PSMD12 is on the minus strand). VCF-style: chr17-67344743-G-A. GRCh37 (hg19) VCF-style: chr17-65340859-G-A.
Other names: c.769C>T, p.Arg257Cys (NM_001316341.2); c.886C>T, p.Arg296Cys (NM_174871.4); short protein forms R316C, R257C, R296C.
Identifiers: ClinVar variation 4991219 (VCV004991219.1).

ClinVar aggregate classification (germline): Uncertain significance (1 of 4 stars; one submission).

Conditions:
PSMD12-related disorder. Also called: PSMD12-related condition.

Submission:

PreventionGenetics, part of Exact Sciences
Classification: Uncertain significance for PSMD12-related condition. Last evaluated: 2026-01-13. Review status: criteria provided, single submitter. Criteria: ACMG Guidelines, 2015. Collection method: clinical testing. Allele origin: germline.
Comment: The PSMD12 c.946C>T variant is predicted to result in the amino acid substitution p.Arg316Cys. To our knowledge, this variant has not been reported in the literature. This variant is reported in 0.0062% of alleles in individuals of African descent in gnomAD. At this time, the clinical significance of this variant is uncertain due to the absence of conclusive functional and genetic evidence.